The following is an entry in ClinVar:

NM_001102401.4(TTI2):c.1115+7C>G

Gene: TTI2 (TELO2 interacting protein 2; minus strand). Cytogenetic location: 8p12.
Variant type: single nucleotide variant.
Coding change: c.1115+7C>G on transcript NM_001102401.4 (MANE Select); 7 bases into the intron after coding-DNA position 1115, C replaced by G.
Molecular consequence: intron variant.
Genome position (GRCh38, 1-based): chr8:33,503,741, G>C on the plus strand (C>G on the coding strand, the complement: TTI2 is on the minus strand). VCF-style: chr8-33503741-G-C. GRCh37 (hg19) VCF-style: chr8-33361259-G-C.
Other names: c.1022+7C>G (NM_001330505.3); c.1115+7C>G (NM_001265581.2, NM_025115.5).
Identifiers: ClinVar variation 437087 (VCV000437087.35), dbSNP rs199720231, ClinGen allele CA4707158.
Genomic context (GRCh38, chr8:33,503,741, plus strand): 5'-CAGCTCAAGCAACATAGCAAGATCCTGTCTGTATAAAATAATAATAAATAAAAGCCCAGG[G>C]CCTCACCTGTTCACGAAAGCCGGCAGGTTTCTTGCGTAGGTCCTGCGTAAAAGAAGGCGG-3'

ClinVar aggregate classification (germline): Conflicting classifications of pathogenicity. Review status: criteria provided, conflicting classifications (1 of 4 stars). 4 submissions from 4 submitters: Uncertain significance (1); Benign (1); Likely benign (1). 1 of the submissions does not count toward it. Last evaluated 2025-03-01.

Conditions:
TTI2-related disorder. Also called: TTI2-related condition.

Allele frequency attached by ClinVar (database versions not stated): 1000 Genomes Project 0.00020; 1000 Genomes Project 30x 0.00031; ExAC 0.00031; gnomAD exomes 0.00033; ESP Exome Variant Server 0.00146; TOPMed 0.00187; gnomAD 0.00194.
gnomAD v4.1: 490 of 1,613,148 alleles (0.03%); highest among the groups gnomAD compares: African/African-American, 0.56%; 3 homozygotes.

Submissions (4):

CeGaT Center for Human Genetics Tuebingen
Classification: Likely benign. Last evaluated: 2025-03-01. Review status: criteria provided, single submitter. Criteria: CeGaT Center For Human Genetics Tuebingen Variant Classification Criteria Version 2. Collection method: clinical testing. Allele origin: germline. Affected: yes. Observed: 2 variant alleles.
Comment: TTI2: BP4, BS2

Labcorp Genetics (formerly Invitae), Labcorp
Classification: Benign. Last evaluated: 2019-12-31. Review status: criteria provided, single submitter. Criteria: Invitae Variant Classification Sherloc (09022015). Collection method: clinical testing. Allele origin: germline.

Genetic Services Laboratory, University of Chicago
Classification: Uncertain significance. Last evaluated: 2017-03-03. Review status: criteria provided, single submitter. Criteria: ACMG Guidelines, 2015. Collection method: clinical testing. Allele origin: germline. Affected: no.

PreventionGenetics, part of Exact Sciences
Classification: Likely benign for TTI2-related condition. Last evaluated: 2019-03-22. Review status: no assertion criteria provided. Collection method: clinical testing. Allele origin: germline. Not counted in ClinVar's aggregate classification.
Comment: This variant is classified as likely benign based on ACMG/AMP sequence variant interpretation guidelines (Richards et al. 2015 PMID: 25741868, with internal and published modifications).